The following is an entry in ClinVar:

GRCh37/hg19 22q11.21(chr22:18644791-21041014)x1

Genes: ARVCF (ARVCF delta catenin family member; minus strand), C22orf39 (chromosome 22 open reading frame 39; minus strand), CDC45 (cell division cycle 45; plus strand), CLDN5 (claudin 5; minus strand), CLTCL1 (clathrin heavy chain like 1; minus strand) and 34 more. Cytogenetic location: 22q11.21.
Variant type: copy number loss.
Change: copy number 1 (one copy instead of two) of chr22:18,644,791-21,041,014 (2.40 Mb, GRCh37 coordinates, 1-based), cytogenetic band 22q11.21.
Identifiers: ClinVar variation 1808875 (VCV001808875.2).

ClinVar aggregate classification (germline): Pathogenic (1 of 4 stars; one submission).

Submission:

Quest Diagnostics Nichols Institute San Juan Capistrano
Classification: Pathogenic. Last evaluated: 2023-05-02. Review status: criteria provided, single submitter. Criteria: ACMG/ClinGen CNV Guidelines, 2019. Collection method: clinical testing. Allele origin: unknown.
Comment: This copy number loss is associated with the proximal (LCR22 A-C) 22q11.2 deletion syndrome, a.k.a. Velocardiofacial syndrome (VCFS) or DiGeorge syndrome (DGS) (OMIM 192430; OMIM 188400). Haploinsufficiency of the TBX1 gene in particular is responsible for most of the clinical features. See GeneReviews for additional information and references.